The following is an entry in ClinVar:

ClinVar aggregate classification (germline): Likely pathogenic. Review status: criteria provided, multiple submitters, no conflicts (2 of 4 stars). 2 submissions from 2 submitters: Likely pathogenic (2). Last evaluated 2022-05-27.

Conditions:
Pontocerebellar hypoplasia type 6 (PCH6). Identifiers: Orphanet 166073, MedGen C1969084, MONDO:0012683, OMIM 611523.

gnomAD v4.1: 2 of 1,611,356 alleles (0.00012%); highest among the groups gnomAD compares: African/African-American, 0.0013%; no homozygotes.

Submissions (2):

Clinical Genetics Laboratory, Skane University Hospital Lund
Classification: Likely pathogenic. Last evaluated: 2022-05-27. Review status: criteria provided, single submitter. Criteria: ACMG Guidelines, 2015. Collection method: clinical testing. Allele origin: germline. Affected: yes.

Breakthrough Genomics
Classification: Likely pathogenic for Pontocerebellar hypoplasia type 6. Last evaluated: 2019-10-23. Review status: criteria provided, single submitter. Criteria: ACMG Guidelines, 2015. Collection method: clinical testing. Allele origin: germline. Affected: yes.
Comment: This variant is predicted to be damaging by in-silico missense prediction tools. This variant was previously reported as p.H530Y in a consanguineous Arab family affected with intellectual disability and the variant was not found in 514 ethnically matched controls analyzed in this study [PMID: 27121845]. In addition, it was reported as a disease-associated mutation in the anticodon binding domain of the RARS2 gene (represented as mt-ArgRS) [PMID:30006346].

NM_020320.5(RARS2):c.1588C>T (p.His530Tyr)

Gene: RARS2 (arginyl-tRNA synthetase 2, mitochondrial; minus strand). Cytogenetic location: 6q15.
Variant type: single nucleotide variant.
Coding change: c.1588C>T on transcript NM_020320.5 (MANE Select); coding-DNA position 1588, C replaced by T.
Protein change: p.His530Tyr; replaces histidine 530 with tyrosine.
Molecular consequence: missense variant. On other transcripts: non-coding transcript variant (23).
Genome position (GRCh38, 1-based): chr6:87,515,019, G>A on the plus strand (C>T on the coding strand, the complement: RARS2 is on the minus strand). VCF-style: chr6-87515019-G-A. GRCh37 (hg19) VCF-style: chr6-88224737-G-A.
Other names: p.His530Tyr; c.1063C>T, p.His355Tyr (NM_001318785.2, NM_001350506.2, NM_001350507.2 and 4 more transcripts); c.1588C>T, p.His530Tyr (NM_001350505.2); short protein forms H355Y, H530Y.
Identifiers: ClinVar variation 3255582 (VCV003255582.2).